The following is an entry in ClinVar:

NM_012213.3(MLYCD):c.1396A>G (p.Thr466Ala)

Gene: MLYCD (malonyl-CoA decarboxylase; plus strand). Cytogenetic location: 16q23.3.
Variant type: single nucleotide variant.
Coding change: c.1396A>G on transcript NM_012213.3 (MANE Select); coding-DNA position 1396, A replaced by G.
Protein change: p.Thr466Ala; replaces threonine 466 with alanine.
Molecular consequence: missense variant.
Genome position (GRCh38, 1-based): chr16:83,915,403, A>G. VCF-style: chr16-83915403-A-G. GRCh37 (hg19) VCF-style: chr16-83949008-A-G.
Other names: short protein forms T466A.
Identifiers: ClinVar variation 2083530 (VCV002083530.5), dbSNP rs752031686, ClinGen allele CA8197623.

ClinVar aggregate classification (germline): Uncertain significance. Review status: criteria provided, multiple submitters, no conflicts (2 of 4 stars). 3 submissions from 3 submitters: Uncertain significance (3). Last evaluated 2025-09-05.

Conditions:
Deficiency of malonyl-CoA decarboxylase. Also called: Malonic aciduria; MCD deficiency. Identifiers: Orphanet 943, MedGen C0342793, MONDO:0009556, OMIM 248360.

Allele frequency attached by ClinVar (database versions not stated): gnomAD 0.00001; ExAC 0.00002; TOPMed 0.00002; gnomAD exomes 0.00007.
gnomAD v4.1: 105 of 1,613,602 alleles (0.0065%); highest among the groups gnomAD compares: Middle Eastern, 0.016%; no homozygotes.

Submissions (3):

Women's Health and Genetics/Laboratory Corporation of America, LabCorp
Classification: Uncertain significance. Last evaluated: 2025-09-05. Review status: criteria provided, single submitter. Criteria: LabCorp Variant Classification Summary - May 2015. Collection method: clinical testing. Allele origin: germline.
Comment: Variant summary: MLYCD c.1396A>G (p.Thr466Ala) results in a non-conservative amino acid change in the encoded protein sequence. Algorithms developed to predict the effect of missense changes on protein structure and function are either unavailable or do not agree on the potential impact of this missense change. The variant allele was found at a frequency of 2e-05 in 248338 control chromosomes. The available data on variant occurrences in the general population are insufficient to allow any conclusion about variant significance. To our knowledge, no occurrence of c.1396A>G in individuals affected with MLYCD-related conditions and no experimental evidence demonstrating its impact on protein function have been reported. ClinVar contains an entry for this variant (Variation ID: 2083530). Based on the evidence outlined above, the variant was classified as uncertain significance.

Labcorp Genetics (formerly Invitae), Labcorp
Classification: Uncertain significance for Deficiency of malonyl-CoA decarboxylase. Last evaluated: 2022-07-27. Review status: criteria provided, single submitter. Criteria: Invitae Variant Classification Sherloc (09022015). Collection method: clinical testing. Allele origin: germline.
Comment: This sequence change replaces threonine, which is neutral and polar, with alanine, which is neutral and non-polar, at codon 466 of the MLYCD protein (p.Thr466Ala). This variant is present in population databases (rs752031686, gnomAD 0.004%). This variant has not been reported in the literature in individuals affected with MLYCD-related conditions. Algorithms developed to predict the effect of missense changes on protein structure and function output the following: SIFT: "Tolerated"; PolyPhen-2: "Benign"; Align-GVGD: "Class C0". The alanine amino acid residue is found in multiple mammalian species, which suggests that this missense change does not adversely affect protein function. In summary, the available evidence is currently insufficient to determine the role of this variant in disease. Therefore, it has been classified as a Variant of Uncertain Significance.

Revvity Omics, Revvity
Classification: Uncertain significance for Deficiency of malonyl-CoA decarboxylase. Last evaluated: 2021-03-03. Review status: criteria provided, single submitter. Criteria: ACMG Guidelines, 2015. Collection method: clinical testing. Allele origin: germline.